The following is an entry in ClinVar:

ClinVar aggregate classification (germline): Likely pathogenic (1 of 4 stars; one submission).

Submission:

Mayo Clinic Laboratories, Mayo Clinic
Classification: Likely pathogenic. Last evaluated: 2021-06-22. Review status: criteria provided, single submitter. Criteria: ACMG Guidelines, 2015. Collection method: clinical testing. Allele origin: germline.
Comment: PVS1_strong, PM2

Literature cited by the submitters: PubMed 31602632.

NM_003126.4(SPTA1):c.958-1G>T

Gene: SPTA1 (spectrin alpha, erythrocytic 1; minus strand). Cytogenetic location: 1q23.1.
Variant type: single nucleotide variant.
Coding change: c.958-1G>T on transcript NM_003126.4 (MANE Select); the canonical splice acceptor site of the intron before coding-DNA position 958, G replaced by T.
Molecular consequence: splice acceptor variant.
Genome position (GRCh38, 1-based): chr1:158,676,296, C>A on the plus strand (G>T on the coding strand, the complement: SPTA1 is on the minus strand). VCF-style: chr1-158676296-C-A. GRCh37 (hg19) VCF-style: chr1-158646086-C-A.
Identifiers: ClinVar variation 1705948 (VCV001705948.4), dbSNP rs2525313520, ClinGen allele CA343018216.